The following is an entry in ClinVar:

NM_000532.5(PCCB):c.1070A>T (p.Asn357Ile)

Gene: PCCB (propionyl-CoA carboxylase subunit beta; plus strand). Cytogenetic location: 3q22.3.
Variant type: single nucleotide variant.
Coding change: c.1070A>T on transcript NM_000532.5 (MANE Select); coding-DNA position 1070, A replaced by T.
Protein change: p.Asn357Ile; replaces asparagine 357 with isoleucine.
Molecular consequence: missense variant.
Genome position (GRCh38, 1-based): chr3:136,317,044, A>T. VCF-style: chr3-136317044-A-T. GRCh37 (hg19) VCF-style: chr3-136035886-A-T.
Other names: c.1130A>T, p.Asn377Ile (NM_001178014.2); short protein forms N357I, N377I.
Identifiers: ClinVar variation 4291867 (VCV004291867.1).

ClinVar aggregate classification (germline): Uncertain significance (1 of 4 stars; one submission).

Conditions:
Propionic acidemia (PROP). Also called: GLYCINEMIA, KETOTIC; HYPERGLYCINEMIA WITH KETOACIDOSIS AND LEUKOPENIA; KETOTIC HYPERGLYCINEMIA. Identifiers: Orphanet 35, MedGen C0268579, MONDO:0011628, OMIM 606054, HP:0003571.

Submission:

3billion
Classification: Uncertain significance for Propionic acidemia. Last evaluated: 2024-12-21. Review status: criteria provided, single submitter. Criteria: ACMG Guidelines, 2015. Collection method: clinical testing. Allele origin: germline. Affected: yes.
Comment: The variant is not observed in the gnomAD v4.1.0 dataset. Predicted Consequence/Location: Missense variant In silico tool predictions suggest damaging effect of the variant on gene or gene product [REVEL: 0.95 (>=0.6, sensitivity 0.68 and specificity 0.92); 3Cnet: 0.90 (>=0.6, sensitivity 0.72 and precision 0.9)]. Therefore, this variant is classified as VUS according to the recommendation of ACMG/AMP guideline.